The following is an entry in ClinVar:

NM_022552.5(DNMT3A):c.55C>T (p.Arg19Trp)

Gene: DNMT3A (DNA methyltransferase 3 alpha; minus strand). Cytogenetic location: 2p23.3.
Variant type: single nucleotide variant.
Coding change: c.55C>T on transcript NM_022552.5 (MANE Select); coding-DNA position 55, C replaced by T.
Protein change: p.Arg19Trp; replaces arginine 19 with tryptophan.
Molecular consequence: missense variant. On other transcripts: non-coding transcript variant (1).
Genome position (GRCh38, 1-based): chr2:25,313,930, G>A on the plus strand (C>T on the coding strand, the complement: DNMT3A is on the minus strand). VCF-style: chr2-25313930-G-A. GRCh37 (hg19) VCF-style: chr2-25536799-G-A.
Other names: c.55C>T, p.Arg19Trp (NM_001320892.2, NM_175629.2, NM_175630.1); short protein forms R19W.
Identifiers: ClinVar variation 2201543 (VCV002201543.7), dbSNP rs959218576, ClinGen allele CA44279227.

ClinVar aggregate classification (germline): Uncertain significance. Review status: criteria provided, multiple submitters, no conflicts (2 of 4 stars). 3 submissions from 3 submitters: Uncertain significance (3). Last evaluated 2025-10-21.

Conditions:
DNMT3A-related disorder. Also called: DNMT3A-related condition; DNMT3A-related disorders.
Tatton-Brown-Rahman overgrowth syndrome. Also called: Tall stature-intellectual disability-facial dysmorphism syndrome; Tatton-Brown-Rahman syndrome. Identifiers: Orphanet 404443, MedGen C4014545, MONDO:0014382, OMIM 615879.

Allele frequency attached by ClinVar (database versions not stated): gnomAD 0.00002; TOPMed 0.00003; 1000 Genomes Project 30x 0.00016.
gnomAD v4.1: 22 of 1,549,796 alleles (0.0014%); highest among the groups gnomAD compares: East Asian, 0.0049%; no homozygotes.

Submissions (3):

PreventionGenetics, part of Exact Sciences
Classification: Uncertain significance for DNMT3A-related condition. Last evaluated: 2025-10-21. Review status: criteria provided, single submitter. Criteria: ACMG Guidelines, 2015. Collection method: clinical testing. Allele origin: germline.
Comment: The DNMT3A c.55C>T variant is predicted to result in the amino acid substitution p.Arg19Trp. This variant was described in an individual with acute myeloid leukemia (Lu et al. 2013. PubMed ID: 23305405). This variant is reported in 0.0088% of alleles in individuals of South Asian descent in gnomAD. At this time, the clinical significance of this variant is uncertain due to the absence of conclusive functional and genetic evidence.

Labcorp Genetics (formerly Invitae), Labcorp
Classification: Uncertain significance for Tatton-Brown-Rahman overgrowth syndrome. Last evaluated: 2024-01-12. Review status: criteria provided, single submitter. Criteria: Invitae Variant Classification Sherloc (09022015). Collection method: clinical testing. Allele origin: germline.
Comment: This sequence change replaces arginine, which is basic and polar, with tryptophan, which is neutral and slightly polar, at codon 19 of the DNMT3A protein (p.Arg19Trp). The frequency data for this variant in the population databases is considered unreliable, as metrics indicate poor data quality at this position in the gnomAD database. This variant has not been reported in the literature in individuals affected with DNMT3A-related conditions. ClinVar contains an entry for this variant (Variation ID: 2201543). An algorithm developed to predict the effect of missense changes on protein structure and function (PolyPhen-2) suggests that this variant is likely to be tolerated. In summary, the available evidence is currently insufficient to determine the role of this variant in disease. Therefore, it has been classified as a Variant of Uncertain Significance.

Revvity Omics, Revvity
Classification: Uncertain significance. Last evaluated: 2023-05-25. Review status: criteria provided, single submitter. Criteria: ACMG Guidelines, 2015. Collection method: clinical testing. Allele origin: germline.